The following is an entry in ClinVar:

ClinVar aggregate classification (germline): Likely benign (1 of 4 stars; one submission).

Conditions:
INPP5E-related disorder. Also called: INPP5E-related condition.

Submission:

PreventionGenetics, part of Exact Sciences
Classification: Likely benign for INPP5E-related condition. Last evaluated: 2025-04-16. Review status: criteria provided, single submitter. Criteria: ACMG Guidelines, 2015. Collection method: clinical testing. Allele origin: germline.
Comment: This variant is classified as likely benign based on ACMG/AMP sequence variant interpretation guidelines (Richards et al. 2015 PMID: 25741868, with internal and published modifications).

NM_019892.6(INPP5E):c.1549+3G>A

Gene: INPP5E (inositol polyphosphate-5-phosphatase E; minus strand). Cytogenetic location: 9q34.3.
Variant type: single nucleotide variant.
Coding change: c.1549+3G>A on transcript NM_019892.6 (MANE Select); 3 bases into the intron after coding-DNA position 1549, G replaced by A.
Molecular consequence: intron variant.
Genome position (GRCh38, 1-based): chr9:136,431,821, C>T on the plus strand (G>A on the coding strand, the complement: INPP5E is on the minus strand). VCF-style: chr9-136431821-C-T. GRCh37 (hg19) VCF-style: chr9-139326273-C-T.
Other names: c.1546+3G>A (NM_001318502.2).
Identifiers: ClinVar variation 4990134 (VCV004990134.1).